The following is an entry in ClinVar:

ClinVar aggregate classification (germline): Uncertain significance (1 of 4 stars; one submission).

Conditions:
Dilated cardiomyopathy 1KK (CMD1KK). Identifiers: Orphanet 154, Orphanet 75249, MedGen C3714995, MONDO:0014100, OMIM 615248.

Submission:

Labcorp Genetics (formerly Invitae), Labcorp
Classification: Uncertain significance for Dilated cardiomyopathy 1KK. Last evaluated: 2019-01-09. Review status: criteria provided, single submitter. Criteria: Invitae Variant Classification Sherloc (09022015). Collection method: clinical testing. Allele origin: germline.
Comment: This variant is not present in population databases (ExAC no frequency). In summary, the available evidence is currently insufficient to determine the role of this variant in disease. Therefore, it has been classified as a Variant of Uncertain Significance. Algorithms developed to predict the effect of missense changes on protein structure and function (SIFT, PolyPhen-2, Align-GVGD) all suggest that this variant is likely to be tolerated, but these predictions have not been confirmed by published functional studies and their clinical significance is uncertain. This variant has not been reported in the literature in individuals with MYPN-related conditions. This sequence change replaces aspartic acid with asparagine at codon 103 of the MYPN protein (p.Asp103Asn). The aspartic acid residue is weakly conserved and there is a small physicochemical difference between aspartic acid and asparagine.

NM_032578.4(MYPN):c.307G>A (p.Asp103Asn)

Gene: MYPN (myopalladin; plus strand). Cytogenetic location: 10q21.3.
Variant type: single nucleotide variant.
Coding change: c.307G>A on transcript NM_032578.4 (MANE Select); coding-DNA position 307, G replaced by A.
Protein change: p.Asp103Asn; replaces aspartic acid 103 with asparagine.
Molecular consequence: missense variant. On other transcripts: 5 prime UTR variant (1), non-coding transcript variant (1).
Genome position (GRCh38, 1-based): chr10:68,121,745, G>A. VCF-style: chr10-68121745-G-A. GRCh37 (hg19) VCF-style: chr10-69881502-G-A.
Other names: c.307G>A, p.Asp103Asn (NM_001256267.2); c.-816G>A (NM_001256268.2); short protein forms D103N.
Identifiers: ClinVar variation 853220 (VCV000853220.9), dbSNP rs2042246065, ClinGen allele CA377104047.
Genomic context (GRCh38, chr10:68,121,745, plus strand): 5'-ATCAATTACGACCCTTTGGAGAAGGCAGATGAAACTCAAGCTAGAAAACGACTTTCTCCT[G>A]ATCAGATGAAACACTCACCTAATTTAAGTTTTGAGCCTAACTTCTGCCAGGATAACCCTC-3'
Protein context (NP_115967.2, residues 93-113): ETQARKRLSP[Asp103Asn]QMKHSPNLSF